The following is an entry in ClinVar:

NM_006393.3(NEBL):c.259-2A>G

Gene: NEBL (nebulette; minus strand). Cytogenetic location: 10p12.31.
Variant type: single nucleotide variant.
Coding change: c.259-2A>G on transcript NM_006393.3 (MANE Select); the canonical splice acceptor site of the intron before coding-DNA position 259, A replaced by G.
Molecular consequence: splice acceptor variant. On other transcripts: intron variant (9).
Genome position (GRCh38, 1-based): chr10:20,888,209, T>C on the plus strand (A>G on the coding strand, the complement: NEBL is on the minus strand). VCF-style: chr10-20888209-T-C. GRCh37 (hg19) VCF-style: chr10-21177138-T-C.
Other names: c.249+73463A>G (NM_001377326.1, NM_001377327.1, NM_001377328.1); c.357+73463A>G (NM_213569.2, NM_001173484.2, NM_001377322.1); c.300+73463A>G (NM_001377324.1); c.291+73463A>G (NM_001377325.1); c.309+73463A>G (NM_001377323.1).
Identifiers: ClinVar variation 2040091 (VCV002040091.4), dbSNP rs904604682, ClinGen allele CA376096351.
Genomic context (GRCh38, chr10:20,888,209, plus strand): 5'-GGCATCCGCTTATAAAGAGAATTAGAAAGGTCAGCTTTAATGGTGCCTTTGTATTTTGCC[T>C]GGGGGAAAAAAAAACAGGAAAAAAATAAATAAATAAACTTCCATTTTTTTAAACTGTGAT-3'

ClinVar aggregate classification (germline): Uncertain significance (1 of 4 stars; one submission).

Conditions:
Primary dilated cardiomyopathy (DCM). Also called: Dilated Cardiomyopathy. Identifiers: Orphanet 217604, MedGen C0007193, MeSH D002311, MONDO:0005021, HP:0001644. Inheritance: Various modes of inheritance.

gnomAD v4.1: 5 of 1,540,116 alleles (0.00032%); highest among the groups gnomAD compares: South Asian, 0.0046%; 1 homozygote.

Submission:

Labcorp Genetics (formerly Invitae), Labcorp
Classification: Uncertain significance for Primary dilated cardiomyopathy. Last evaluated: 2022-02-05. Review status: criteria provided, single submitter. Criteria: Invitae Variant Classification Sherloc (09022015). Collection method: clinical testing. Allele origin: germline.
Comment: This sequence change affects an acceptor splice site in intron 3 of the NEBL gene. It is expected to disrupt RNA splicing. Variants that disrupt the donor or acceptor splice site typically lead to a loss of protein function (PMID: 16199547), however the current clinical and genetic evidence is not sufficient to establish whether loss-of-function variants in NEBL cause disease. In summary, the available evidence is currently insufficient to determine the role of this variant in disease. Therefore, it has been classified as a Variant of Uncertain Significance. Algorithms developed to predict the effect of sequence changes on RNA splicing suggest that this variant may disrupt the consensus splice site. This variant has not been reported in the literature in individuals affected with NEBL-related conditions. This variant is present in population databases (no rsID available, gnomAD 0.007%).

Literature cited by the submitters: PubMed 16199547.